The following is an entry in ClinVar:

NM_002470.4(MYH3):c.736-6A>G

Gene: MYH3 (myosin heavy chain 3; minus strand). Cytogenetic location: 17p13.1.
Variant type: single nucleotide variant.
Coding change: c.736-6A>G on transcript NM_002470.4 (MANE Select); 6 bases into the intron before coding-DNA position 736, A replaced by G.
Molecular consequence: intron variant.
Genome position (GRCh38, 1-based): chr17:10,647,432, T>C on the plus strand (A>G on the coding strand, the complement: MYH3 is on the minus strand). VCF-style: chr17-10647432-T-C. GRCh37 (hg19) VCF-style: chr17-10550749-T-C.
Identifiers: ClinVar variation 321767 (VCV000321767.62), dbSNP rs372079063, ClinGen allele CA8393167.

ClinVar aggregate classification (germline): Conflicting classifications of pathogenicity. Review status: criteria provided, conflicting classifications (1 of 4 stars). 7 submissions from 6 submitters: Uncertain significance (1); Benign (3); Likely benign (2). 1 of the submissions does not count toward it. Last evaluated 2026-02-01.

Conditions:
Distal arthrogryposis type 2B1 (DA2B1). Also called: Arthrogryposis multiplex congenita distal type II with craniofacial abnormalities. Identifiers: Orphanet 1147, MedGen C5193014, MONDO:0020820, OMIM 601680.
MYH3-related disorder. Also called: MYH3-Related Disorders; MYH3-related condition. Identifiers: MedGen CN239329.
Freeman-Sheldon syndrome (DA2A). Also called: CRANIOCARPOTARSAL DYSPLASIA; CRANIOCARPOTARSAL DYSTROPHY; WHISTLING FACE-WINDMILL VANE HAND SYNDROME; Arthrogryposis, distal, type 2A (Freeman-Sheldon). Identifiers: Orphanet 2053, MedGen C0265224, MONDO:0008675, OMIM 193700.

Allele frequency attached by ClinVar (database versions not stated): TOPMed 0.00049; ExAC 0.00058; ESP Exome Variant Server 0.00062; gnomAD 0.00064 and 0.00067; gnomAD exomes 0.00065 and 0.00091.
gnomAD v4.1: 1,416 of 1,613,966 alleles (0.088%); highest among the groups gnomAD compares: Non-Finnish European, 0.11%; 1 homozygote.

Submissions (7):

Labcorp Genetics (formerly Invitae), Labcorp
Classification: Benign. Last evaluated: 2026-02-01. Review status: criteria provided, single submitter. Criteria: Invitae Variant Classification Sherloc (09022015). Collection method: clinical testing. Allele origin: germline.

Blueprint Genetics
Classification: Likely benign. Last evaluated: 2024-11-21. Review status: criteria provided, single submitter. Criteria: ACMG Guidelines, 2015. Collection method: clinical testing. Allele origin: germline.

GeneDx
Classification: Benign. Last evaluated: 2021-01-11. Review status: criteria provided, single submitter. Criteria: GeneDx Variant Classification Process June 2021. Collection method: clinical testing. Allele origin: germline. Affected: yes.

Illumina Laboratory Services, Illumina
Classification: Benign for Freeman-Sheldon syndrome. Last evaluated: 2018-01-13. Review status: criteria provided, single submitter. Criteria: ICSL Variant Classification Criteria 13 December 2019. Collection method: clinical testing. Allele origin: germline.
Comment: This variant was observed in the ICSL laboratory as part of a predisposition screen in an ostensibly healthy population. It had not been previously curated by ICSL or reported in the Human Gene Mutation Database (HGMD: prior to June 1st, 2018), and was therefore a candidate for classification through an automated scoring system. Utilizing variant allele frequency, disease prevalence and penetrance estimates, and inheritance mode, an automated score was calculated to assess if this variant is too frequent to cause the disease. Based on the score and internal cut-off values, a variant classified as benign is not then subjected to further curation. The score for this variant resulted in a classification of benign for this disease.

Illumina Laboratory Services, Illumina
Classification: Likely benign for Distal arthrogryposis type 2B1. Last evaluated: 2018-01-13. Review status: criteria provided, single submitter. Criteria: ICSL Variant Classification Criteria 13 December 2019. Collection method: clinical testing. Allele origin: germline.
Comment: This variant was observed in the ICSL laboratory as part of a predisposition screen in an ostensibly healthy population. It had not been previously curated by ICSL or reported in the Human Gene Mutation Database (HGMD: prior to June 1st, 2018), and was therefore a candidate for classification through an automated scoring system. Utilizing variant allele frequency, disease prevalence and penetrance estimates, and inheritance mode, an automated score was calculated to assess if this variant is too frequent to cause the disease. Based on the score and internal cut-off values, a variant classified as likely benign is not then subjected to further curation. The score for this variant resulted in a classification of likely benign for this disease.

CeGaT Center for Human Genetics Tuebingen
Classification: Uncertain significance. Last evaluated: 2016-05-01. Review status: criteria provided, single submitter. Criteria: CeGaT Center For Human Genetics Tuebingen Variant Classification Criteria Version 2. Collection method: clinical testing. Allele origin: germline. Affected: yes. Observed: 1 variant allele.

PreventionGenetics, part of Exact Sciences
Classification: Likely benign for MYH3-related condition. Last evaluated: 2019-11-19. Review status: no assertion criteria provided. Collection method: clinical testing. Allele origin: germline. Not counted in ClinVar's aggregate classification.
Comment: This variant is classified as likely benign based on ACMG/AMP sequence variant interpretation guidelines (Richards et al. 2015 PMID: 25741868, with internal and published modifications).